The following is an entry in ClinVar:

ClinVar aggregate classification (germline): Benign (1 of 4 stars; one submission).

Conditions:
Familial cancer of breast. Also called: Hereditary breast cancer; hereditary breast carcinoma; BREAST CANCER, FAMILIAL. Identifiers: Orphanet 227535, MedGen C0346153, MONDO:0016419, OMIM 114480. Disease mechanism: loss of function.

gnomAD v4.1: 1 of 1,614,194 alleles (0.000062%); highest among the groups gnomAD compares: Non-Finnish European, 0.000085%; no homozygotes.

Submission:

Myriad Genetics, Inc.
Classification: Benign for Familial cancer of breast. Last evaluated: 2025-01-15. Review status: criteria provided, single submitter. Criteria: Myriad Autosomal Dominant, Autosomal Recessive and X-Linked Classification Criteria (2023). Collection method: clinical testing. Allele origin: unknown.
Comment: This variant is considered benign. This variant is a silent/synonymous amino acid change and it is not expected to impact splicing.

NM_024675.4(PALB2):c.2121T>C (p.Pro707=)

Gene: PALB2 (partner and localizer of BRCA2; minus strand). Cytogenetic location: 16p12.2.
Variant type: single nucleotide variant.
Coding change: c.2121T>C on transcript NM_024675.4 (MANE Select); coding-DNA position 2121, T replaced by C.
Protein change: p.Pro707=; no amino-acid change (proline 707 retained).
Molecular consequence: synonymous variant. On other transcripts: intron variant (1).
Genome position (GRCh38, 1-based): chr16:23,630,033, A>G on the plus strand (T>C on the coding strand, the complement: PALB2 is on the minus strand). VCF-style: chr16-23630033-A-G. GRCh37 (hg19) VCF-style: chr16-23641354-A-G.
Other names: c.2061T>C, p.Pro687= (NM_001407296.1); c.2121T>C, p.Pro707= (NM_001407297.1, NM_001407298.1, NM_001407299.1 and 3 more transcripts); c.1236T>C, p.Pro412= (NM_001407304.1, NM_001407305.1, NM_001407306.1 and 5 more transcripts); c.333T>C, p.Pro111= (NM_001407312.1, NM_001407313.1); c.49-758T>C (NM_001407314.1).
Identifiers: ClinVar variation 3904068 (VCV003904068.1).
Genomic context (GRCh38, chr16:23,630,033, plus strand): 5'-AGCAGGTGAACACATGTCTGTGGTAGGCCTGTCATTATCATCAGGCGCAACCGTATTTAA[A>G]GGAGTATAAAGTAATATGGATGAAGAAAGGCCCGTCTTTGTATGCTGGCTTTGCGAGTTT-3'
Protein context (NP_078951.2, residues 697-717): GLSSSILLYT[Pro707=]LNTVAPDDND